The following is an entry in ClinVar:

ClinVar aggregate classification (germline): Pathogenic. Review status: criteria provided, multiple submitters, no conflicts (2 of 4 stars). 2 submissions from 2 submitters: Pathogenic (2). Last evaluated 2024-09-28.

Conditions:
Hereditary cancer-predisposing syndrome. Also called: Neoplastic Syndromes, Hereditary; Tumor predisposition; Hereditary Cancer Syndrome; Hereditary neoplastic syndrome. Identifiers: Orphanet 140162, MedGen C0027672, MeSH D009386, MONDO:0015356.
Hereditary nonpolyposis colorectal neoplasms. Identifiers: MedGen C0009405, MeSH D003123.

Submissions (2):

Labcorp Genetics (formerly Invitae), Labcorp
Classification: Pathogenic for Hereditary nonpolyposis colorectal neoplasms. Last evaluated: 2024-09-28. Review status: criteria provided, single submitter. Criteria: Invitae Variant Classification Sherloc (09022015). Collection method: clinical testing. Allele origin: germline.
Comment: This sequence change falls in intron 4 of the MSH6 gene. It does not directly change the encoded amino acid sequence of the MSH6 protein. RNA analysis indicates that this variant induces altered splicing and likely results in the loss of 57 amino acid residue(s), but is expected to preserve the integrity of the reading-frame. This variant is not present in population databases (gnomAD no frequency). This variant has not been reported in the literature in individuals affected with MSH6-related conditions. ClinVar contains an entry for this variant (Variation ID: 525699). Studies have shown that this variant results in the activation of a cryptic splice site in exon 5 (internal data). This variant disrupts a region of the MSH6 protein in which other variant(s) (p.Leu1063Arg) have been determined to be pathogenic (PMID: 23733757, 24362816, 26099011, 28531214). This suggests that this is a clinically significant region of the protein, and that variants that disrupt it are likely to be disease-causing. For these reasons, this variant has been classified as Pathogenic.

Ambry Genetics
Classification: Pathogenic for Hereditary cancer-predisposing syndrome. Last evaluated: 2023-05-03. Review status: criteria provided, single submitter. Criteria: Ambry Variant Classification Scheme 2023. Collection method: clinical testing. Allele origin: germline.
Comment: The c.3173-14_3173-3del12 intronic pathogenic variant, located in intron 4 of the MSH6 gene, results from a deletion of 12 nucleotides from c.3173-14 to c.3173-3 within intron 4 of the MSH6 gene. This nucleotide region is not well conserved in available vertebrate species. In silico splice site analysis predicts that this alteration will weaken the native splice acceptor site and may result in the creation or strengthening of a novel splice acceptor site. RNA studies have demonstrated that this alteration results in abnormal splicing in the set of samples tested (Ambry internal data). Another alteration impacting the same acceptor site (c.3173-1G>C) has been shown to have a similar impact on splicing and has been identified in probands whose Lynch syndrome-associated tumors showed loss of MSH6 on IHC (Ambry internal data). Based on the supporting evidence, this alteration is interpreted as a disease-causing mutation.

Literature cited by the submitters: PubMed 23733757 (cited by Labcorp Genetics (formerly Invitae), Labcorp); PubMed 24362816 (cited by Labcorp Genetics (formerly Invitae), Labcorp); PubMed 26099011 (cited by Labcorp Genetics (formerly Invitae), Labcorp); PubMed 28531214 (cited by Labcorp Genetics (formerly Invitae), Labcorp).

NM_000179.3(MSH6):c.3173-14_3173-3del

Gene: MSH6 (mutS homolog 6; plus strand). Cytogenetic location: 2p16.3.
Variant type: Deletion.
Coding change: c.3173-14_3173-3del on transcript NM_000179.3 (MANE Select); 14 bases into the intron before coding-DNA position 3173 through 3 bases into the intron before coding-DNA position 3173, 12 bases deleted (CTCTCTTTTAAC).
Molecular consequence: intron variant.
Genome position (GRCh38, 1-based): chr2:47,803,406-47,803,417, CTCTCTTTTAAC deleted; deleting any 12 consecutive bases within chr2:47,803,405-47,803,417 gives the same sequence; the c. name uses the placement nearest the transcript's 3' end. VCF-style (leftmost placement, unchanged base first): chr2-47803404-CCCTCTCTTTTAA-C. GRCh37 (hg19) VCF-style: chr2-48030543-CCCTCTCTTTTAA-C.
Other names: c.3173-14_3173-3delCTCTCTTTTAAC (NM_000179.2); c.2267-14_2267-3del (NM_001281493.2, NM_001281494.2); c.2783-14_2783-3del (NM_001281492.2).
Identifiers: ClinVar variation 525699 (VCV000525699.12), dbSNP rs1553331228, ClinGen allele CA658795738.